The following is an entry in ClinVar:

ClinVar aggregate classification (germline): Uncertain significance. Review status: criteria provided, multiple submitters, no conflicts (2 of 4 stars). 2 submissions from 2 submitters: Uncertain significance (2). Last evaluated 2024-07-01.

Conditions:
Hermansky-Pudlak syndrome 6 (HPS6). Identifiers: Orphanet 231512, Orphanet 79430, MedGen C3888007, MONDO:0013558, OMIM 614075.

Allele frequency attached by ClinVar (database versions not stated): TOPMed 0.00001; ExAC 0.00003.

Submissions (2):

Labcorp Genetics (formerly Invitae), Labcorp
Classification: Uncertain significance. Last evaluated: 2024-07-01. Review status: criteria provided, single submitter. Criteria: Invitae Variant Classification Sherloc (09022015). Collection method: clinical testing. Allele origin: germline.
Comment: This sequence change replaces glycine, which is neutral and non-polar, with valine, which is neutral and non-polar, at codon 560 of the HPS6 protein (p.Gly560Val). This variant is present in population databases (rs765206943, gnomAD 0.006%). This variant has not been reported in the literature in individuals affected with HPS6-related conditions. ClinVar contains an entry for this variant (Variation ID: 880434). Advanced modeling of protein sequence and biophysical properties (such as structural, functional, and spatial information, amino acid conservation, physicochemical variation, residue mobility, and thermodynamic stability) performed at Invitae indicates that this missense variant is not expected to disrupt HPS6 protein function with a negative predictive value of 80%. In summary, the available evidence is currently insufficient to determine the role of this variant in disease. Therefore, it has been classified as a Variant of Uncertain Significance.

Illumina Laboratory Services, Illumina
Classification: Uncertain significance for Hermansky-Pudlak syndrome 6. Last evaluated: 2018-01-12. Review status: criteria provided, single submitter. Criteria: ICSL Variant Classification Criteria 13 December 2019. Collection method: clinical testing. Allele origin: germline.

NM_024747.6(HPS6):c.1679G>T (p.Gly560Val)

Gene: HPS6 (HPS6 biogenesis of lysosomal organelles complex 2 subunit 3; plus strand). Cytogenetic location: 10q24.32.
Variant type: single nucleotide variant.
Coding change: c.1679G>T on transcript NM_024747.6 (MANE Select); coding-DNA position 1679, G replaced by T.
Protein change: p.Gly560Val; replaces glycine 560 with valine.
Molecular consequence: missense variant.
Genome position (GRCh38, 1-based): chr10:102,067,153, G>T. VCF-style: chr10-102067153-G-T. GRCh37 (hg19) VCF-style: chr10-103826910-G-T.
Other names: short protein forms G560V.
Identifiers: ClinVar variation 880434 (VCV000880434.7), dbSNP rs765206943, ClinGen allele CA5660020.